The following is an entry in ClinVar:

ClinVar aggregate classification (germline): Likely benign. Review status: criteria provided, single submitter (1 of 4 stars). 2 submissions from 2 submitters: Likely benign (1). 1 of the submissions does not count toward it. Last evaluated 2026-01-23.

Conditions:
VPS13B-related disorder. Also called: VPS13B-related condition.
Cohen syndrome (COH1). Also called: Cutis verticis gyrata, retinitis pigmentosa, and sensorineural deafness; PEPPER SYNDROME. Identifiers: Orphanet 193, MedGen C0265223, MONDO:0008999, OMIM 216550.

Allele frequency attached by ClinVar (database versions not stated): gnomAD exomes below 0.00001 and 0.00001; TOPMed below 0.00001.
gnomAD v4.1: 2 of 1,612,918 alleles (0.00012%); highest among the groups gnomAD compares: Admixed American, 0.0033%; no homozygotes.

Submissions (2):

Labcorp Genetics (formerly Invitae), Labcorp
Classification: Likely benign for Cohen syndrome. Last evaluated: 2026-01-23. Review status: criteria provided, single submitter. Criteria: Invitae Variant Classification Sherloc (09022015). Collection method: clinical testing. Allele origin: germline.

PreventionGenetics, part of Exact Sciences
Classification: Likely benign for VPS13B-related condition. Last evaluated: 2024-05-09. Review status: no assertion criteria provided. Collection method: clinical testing. Allele origin: germline. Not counted in ClinVar's aggregate classification.
Comment: This variant is classified as likely benign based on ACMG/AMP sequence variant interpretation guidelines (Richards et al. 2015 PMID: 25741868, with internal and published modifications).

NM_152564.5(VPS13B):c.1563+7G>C

Gene: VPS13B (vacuolar protein sorting 13 homolog B; plus strand). Cytogenetic location: 8q22.2.
Variant type: single nucleotide variant.
Coding change: c.1563+7G>C on transcript NM_152564.5 (MANE Select); 7 bases into the intron after coding-DNA position 1563, G replaced by C.
Molecular consequence: intron variant.
Genome position (GRCh38, 1-based): chr8:99,135,740, G>C. VCF-style: chr8-99135740-G-C. GRCh37 (hg19) VCF-style: chr8-100147968-G-C.
Other names: c.1563+7G>C (NM_017890.5, NM_015243.3, NM_152564.4).
Identifiers: ClinVar variation 1092049 (VCV001092049.10), dbSNP rs1185654925, ClinGen allele CA583825927.